The following is an entry in ClinVar:

ClinVar aggregate classification (germline): Uncertain significance (1 of 4 stars; one submission).

Conditions:
Hypophosphatasia. Also called: Phosphoethanol-aminuria. Identifiers: Orphanet 436, MedGen C0020630, MeSH D007014, MONDO:0018570.

Submission:

Genomenon, Inc
Classification: Uncertain significance for Hypophosphatasia. Last evaluated: 2025-08-29. Review status: criteria provided, single submitter. Criteria: Genomenon Sequence Variant Interpretation Standards. Collection method: curation. Allele origin: germline. Affected: yes.
Comment: ALPL c.77C>T is a missense variant that changes the amino acid at residue 26 from Proline to Leucine. This variant has been observed in at least one proband affected with hypophosphatasia (PMID:35252483). It is absent or not present at a significant frequency in gnomAD. In silico models agree that this variant is possibly or probably damaging. In conclusion, we classify ALPL p.Pro26Leu (c.77C>T) as a variant of unknown significance.

Literature cited by the submitters: PubMed 35252483.

NM_000478.6(ALPL):c.77C>T (p.Pro26Leu)

Gene: ALPL (alkaline phosphatase, biomineralization associated; plus strand). Cytogenetic location: 1p36.12.
Variant type: single nucleotide variant.
Coding change: c.77C>T on transcript NM_000478.6 (MANE Select); coding-DNA position 77, C replaced by T.
Protein change: p.Pro26Leu; replaces proline 26 with leucine.
Molecular consequence: missense variant. On other transcripts: 5 prime UTR variant (2).
Genome position (GRCh38, 1-based): chr1:21,560,641, C>T. VCF-style: chr1-21560641-C-T. GRCh37 (hg19) VCF-style: chr1-21887134-C-T.
Other names: c.-89C>T (NM_001127501.4); c.-39C>T (NM_001177520.3); c.77C>T, p.Pro26Leu (NM_001369803.2, NM_001369804.2, NM_001369805.2); short protein forms P26L.
Identifiers: ClinVar variation 4086810 (VCV004086810.1).
Genomic context (GRCh38, chr1:21,560,641, plus strand): 5'-AGGCTATCCTTACCCCGCCAAGTAACTGCCTCTCTCTGTGTTTAGAGAAAGAGAAAGACC[C>T]CAAGTACTGGCGAGACCAAGCGCAAGAGACACTGAAATATGCCCTGGAGCTTCAGAAGCT-3'
Protein context (NP_000469.3, residues 16-36): NSLVPEKEKD[Pro26Leu]KYWRDQAQET